The following is an entry in ClinVar:

NM_032578.4(MYPN):c.1805T>C (p.Leu602Pro)

Gene: MYPN (myopalladin; plus strand). Cytogenetic location: 10q21.3.
Variant type: single nucleotide variant.
Coding change: c.1805T>C on transcript NM_032578.4 (MANE Select); coding-DNA position 1805, T replaced by C.
Protein change: p.Leu602Pro; replaces leucine 602 with proline.
Molecular consequence: missense variant. On other transcripts: non-coding transcript variant (2).
Genome position (GRCh38, 1-based): chr10:68,166,498, T>C. VCF-style: chr10-68166498-T-C. GRCh37 (hg19) VCF-style: chr10-69926255-T-C.
Other names: p.Leu602Pro; c.1805T>C (NM_032578.3); c.1805T>C, p.Leu602Pro (NM_001256267.2); c.923T>C, p.Leu308Pro (NM_001256268.2); short protein forms L308P, L602P.
Identifiers: ClinVar variation 1019325 (VCV001019325.18), dbSNP rs779148735, ClinGen allele CA5522660.
Genomic context (GRCh38, chr10:68,166,498, plus strand): 5'-TGGTGAACCACAATGAGCCCCGGTCCAGCTCCAGGATTGGGCTTCGTGTGCACTTCAACC[T>C]GCCTGAAGATGACAAAGGAAGTGAAGCATCCTCCGAGGCTGGTGTGGTGACCACCAGACA-3'
Protein context (NP_115967.2, residues 592-612): SRIGLRVHFN[Leu602Pro]PEDDKGSEAS

ClinVar aggregate classification (germline): Uncertain significance. Review status: criteria provided, multiple submitters, no conflicts (2 of 4 stars). 7 submissions from 7 submitters: Uncertain significance (7). Last evaluated 2026-09-25.

Conditions:
MYPN-related disorder. Also called: MYPN-related condition.
MYPN-related myopathy (CMYO24). Also called: Nemaline myopathy 11, autosomal recessive. Identifiers: MedGen C4479186, MONDO:0015023, OMIM 617336.
Dilated cardiomyopathy 1KK (CMD1KK). Identifiers: Orphanet 154, Orphanet 75249, MedGen C3714995, MONDO:0014100, OMIM 615248.
Cardiovascular phenotype. Identifiers: MedGen CN230736.

Allele frequency attached by ClinVar (database versions not stated): TOPMed 0.00002.
gnomAD v4.1: 44 of 1,614,028 alleles (0.0027%); highest among the groups gnomAD compares: Non-Finnish European, 0.0032%; no homozygotes.

Submissions (7):

PreventionGenetics, part of Exact Sciences
Classification: Uncertain significance for MYPN-related condition. Last evaluated: 2026-09-25. Review status: criteria provided, single submitter. Criteria: ACMG Guidelines, 2015. Collection method: clinical testing. Allele origin: germline.
Comment: The MYPN c.1805T>C variant is predicted to result in the amino acid substitution p.Leu602Pro. To our knowledge, this variant has not been reported in the literature. This variant is reported in 0.0065% of alleles in individuals of European (Non-Finnish) descent in gnomAD. At this time, the clinical significance of this variant is uncertain due to the absence of conclusive functional and genetic evidence.

Mayo Clinic Laboratories, Mayo Clinic
Classification: Uncertain significance. Last evaluated: 2025-09-10. Review status: criteria provided, single submitter. Criteria: ACMG Guidelines, 2015. Collection method: clinical testing. Allele origin: germline. Observed: 1 variant allele.
Comment: PM2_supporting

Ambry Genetics
Classification: Uncertain significance for Cardiovascular phenotype. Last evaluated: 2024-09-20. Review status: criteria provided, single submitter. Criteria: Ambry Variant Classification Scheme 2023. Collection method: clinical testing. Allele origin: germline.
Comment: The p.L602P variant (also known as c.1805T>C), located in coding exon 9 of the MYPN gene, results from a T to C substitution at nucleotide position 1805. The leucine at codon 602 is replaced by proline, an amino acid with similar properties. This amino acid position is conserved. In addition, this alteration is predicted to be deleterious by in silico analysis. Since supporting evidence is limited at this time, the clinical significance of this alteration remains unclear.

GeneDx
Classification: Uncertain significance. Last evaluated: 2024-02-26. Review status: criteria provided, single submitter. Criteria: GeneDx Variant Classification Process June 2021. Collection method: clinical testing. Allele origin: germline. Affected: yes.
Comment: Not observed at significant frequency in large population cohorts (gnomAD); In silico analysis supports that this missense variant does not alter protein structure/function; Has not been previously published as pathogenic or benign to our knowledge

Blueprint Genetics
Classification: Uncertain significance. Last evaluated: 2023-02-09. Review status: criteria provided, single submitter. Criteria: ACMG Guidelines, 2015. Collection method: clinical testing. Allele origin: germline.

Labcorp Genetics (formerly Invitae), Labcorp
Classification: Uncertain significance for Dilated cardiomyopathy 1KK. Last evaluated: 2022-09-27. Review status: criteria provided, single submitter. Criteria: Invitae Variant Classification Sherloc (09022015). Collection method: clinical testing. Allele origin: germline.
Comment: This sequence change replaces leucine, which is neutral and non-polar, with proline, which is neutral and non-polar, at codon 602 of the MYPN protein (p.Leu602Pro). This variant is present in population databases (rs779148735, gnomAD 0.002%). This variant has not been reported in the literature in individuals affected with MYPN-related conditions. ClinVar contains an entry for this variant (Variation ID: 1019325). Algorithms developed to predict the effect of missense changes on protein structure and function (SIFT, PolyPhen-2, Align-GVGD) all suggest that this variant is likely to be disruptive. In summary, the available evidence is currently insufficient to determine the role of this variant in disease. Therefore, it has been classified as a Variant of Uncertain Significance.

Fulgent Genetics
Classification: Uncertain significance for Dilated cardiomyopathy 1KK; MYPN-related myopathy. Last evaluated: 2021-09-15. Review status: criteria provided, single submitter. Criteria: ACMG Guidelines, 2015. Collection method: clinical testing. Allele origin: unknown.